The following is an entry in ClinVar:

NM_001206927.2(DNAH8):c.9898A>T (p.Lys3300Ter)

Genes: DNAH8 (dynein axonemal heavy chain 8; plus strand), DNAH8-AS1 (DNAH8 antisense RNA 1; minus strand). Cytogenetic location: 6p21.2.
Variant type: single nucleotide variant.
Coding change: c.9898A>T on transcript NM_001206927.2 (MANE Select); coding-DNA position 9898, A replaced by T.
Protein change: p.Lys3300Ter; replaces lysine 3300 with a stop codon.
Molecular consequence: nonsense.
Genome position (GRCh38, 1-based): chr6:38,913,887, A>T. VCF-style: chr6-38913887-A-T. GRCh37 (hg19) VCF-style: chr6-38881663-A-T.
Other names: c.9247A>T, p.Lys3083Ter (NM_001371.4); short protein forms K3083*, K3300*.
Identifiers: ClinVar variation 1075678 (VCV001075678.7), dbSNP rs2150536009, ClinGen allele CA364005382.
Genomic context (GRCh38, chr6:38,913,887, plus strand): 5'-ATATATGTGTGTATTTGTAAAGGTCTTGATAAACTAATGGAGGCAAGTGAATCTGTTGCT[A>T]AACTCTCTCAGGATCTTGCAGTCAAGGAGAAGGAGTTGGCAGTGGCTTCCATAAAAGCAG-3'

ClinVar aggregate classification (germline): Pathogenic (1 of 4 stars; one submission).

Conditions:
Primary ciliary dyskinesia. Also called: Ciliary dyskinesia. Identifiers: Orphanet 244, MedGen C0008780, MONDO:0016575, HP:0012265.

Submission:

Labcorp Genetics (formerly Invitae), Labcorp
Classification: Pathogenic for Primary ciliary dyskinesia. Last evaluated: 2022-10-18. Review status: criteria provided, single submitter. Criteria: Invitae Variant Classification Sherloc (09022015). Collection method: clinical testing. Allele origin: germline.
Comment: For these reasons, this variant has been classified as Pathogenic. Algorithms developed to predict the effect of sequence changes on RNA splicing suggest that this variant may disrupt the consensus splice site. ClinVar contains an entry for this variant (Variation ID: 1075678). This variant has not been reported in the literature in individuals affected with DNAH8-related conditions. This variant is not present in population databases (gnomAD no frequency). This sequence change creates a premature translational stop signal (p.Lys3300*) in the DNAH8 gene. It is expected to result in an absent or disrupted protein product. Loss-of-function variants in DNAH8 are known to be pathogenic (PMID: 24307375, 32619401, 32681648).

Literature cited by the submitters: PubMed 24307375; PubMed 32619401; PubMed 32681648.